The following is an entry in ClinVar:

NM_138694.4(PKHD1):c.4998C>T (p.Ser1666=)

Genes: PKHD1 (PKHD1 ciliary IPT domain containing fibrocystin/polyductin; minus strand), LOC126859690 (MED14-independent group 3 enhancer GRCh37_chr6:51888848-51890047; plus strand). Cytogenetic location: 6p12.2.
Variant type: single nucleotide variant.
Coding change: c.4998C>T on transcript NM_138694.4 (MANE Select); coding-DNA position 4998, C replaced by T.
Protein change: p.Ser1666=; no amino-acid change (serine 1666 retained).
Molecular consequence: synonymous variant.
Genome position (GRCh38, 1-based): chr6:52,024,812, G>A on the plus strand (C>T on the coding strand, the complement: PKHD1 is on the minus strand). VCF-style: chr6-52024812-G-A. GRCh37 (hg19) VCF-style: chr6-51889610-G-A.
Other names: c.4998C>T, p.Ser1666= (NM_170724.3); c.4998C>T (NM_138694.3).
Identifiers: ClinVar variation 1608927 (VCV001608927.9), dbSNP rs374025329, ClinGen allele CA3852631.

ClinVar aggregate classification (germline): Likely benign. Review status: criteria provided, multiple submitters, no conflicts (2 of 4 stars). 2 submissions from 2 submitters: Likely benign (2). Last evaluated 2025-12-03.

Conditions:
Autosomal recessive polycystic kidney disease (ARPKD). Also called: AR polycystic kidney disease. Identifiers: Orphanet 731, Orphanet 8378, MedGen C0085548, MeSH D017044, MONDO:0009889.
PKHD1-related disorder. Also called: PKHD1-related condition.

Allele frequency attached by ClinVar (database versions not stated): TOPMed 0.00002; ESP Exome Variant Server 0.00008.
gnomAD v4.1: 12 of 1,614,172 alleles (0.00074%); highest among the groups gnomAD compares: East Asian, 0.0067%; no homozygotes.

Submissions (2):

Labcorp Genetics (formerly Invitae), Labcorp
Classification: Likely benign for Autosomal recessive polycystic kidney disease. Last evaluated: 2025-12-03. Review status: criteria provided, single submitter. Criteria: Invitae Variant Classification Sherloc (09022015). Collection method: clinical testing. Allele origin: germline.

PreventionGenetics, part of Exact Sciences
Classification: Likely benign for PKHD1-related condition. Last evaluated: 2024-11-13. Review status: criteria provided, single submitter. Criteria: ACMG Guidelines, 2015. Collection method: clinical testing. Allele origin: germline.
Comment: This variant is classified as likely benign based on ACMG/AMP sequence variant interpretation guidelines (Richards et al. 2015 PMID: 25741868, with internal and published modifications).